The following is an entry in ClinVar:

NM_001556.3(IKBKB):c.1079C>T (p.Ala360Val)

Gene: IKBKB (inhibitor of nuclear factor kappa B kinase subunit beta; plus strand). Cytogenetic location: 8p11.21.
Variant type: single nucleotide variant.
Coding change: c.1079C>T on transcript NM_001556.3 (MANE Select); coding-DNA position 1079, C replaced by T.
Protein change: p.Ala360Val; replaces alanine 360 with valine.
Molecular consequence: missense variant. On other transcripts: non-coding transcript variant (3).
Genome position (GRCh38, 1-based): chr8:42,316,858, C>T. VCF-style: chr8-42316858-C-T. GRCh37 (hg19) VCF-style: chr8-42174376-C-T.
Other names: c.887C>T, p.Ala296Val (NM_001190720.3); c.902C>T, p.Ala301Val (NM_001242778.2); short protein forms A296V, A301V, A360V.
Identifiers: ClinVar variation 1952927 (VCV001952927.2), dbSNP rs202120081, ClinGen allele CA4731871.
Genomic context (GRCh38, chr8:42,316,858, plus strand): 5'-TCCAACAGGACACGGGCATCCCAGAGGAGGACCAGGAGCTGCTGCAGGAAGCGGGCCTGG[C>T]GTTGATCCCCGATAAGCCTGCCACTCAGTGTATTTCAGACGGCAAGGTGAGCCCTGGCTT-3'
Protein context (NP_001547.1, residues 350-370): DQELLQEAGL[Ala360Val]LIPDKPATQC

ClinVar aggregate classification (germline): Uncertain significance (1 of 4 stars; one submission).

Conditions:
Severe combined immunodeficiency due to IKK2 deficiency. Also called: Immunodeficiency 15; IMMUNODEFICIENCY 15B. Identifiers: Orphanet 397787, MedGen C4747743, MONDO:0014267, OMIM 615592.

Allele frequency attached by ClinVar (database versions not stated): TOPMed below 0.00001; gnomAD exomes 0.00001; ExAC 0.00003; ESP Exome Variant Server 0.00008.
gnomAD v4.1: 11 of 1,614,108 alleles (0.00068%); highest among the groups gnomAD compares: Admixed American, 0.0067%; no homozygotes.

Submission:

Labcorp Genetics (formerly Invitae), Labcorp
Classification: Uncertain significance for Severe combined immunodeficiency due to IKK2 deficiency. Last evaluated: 2022-02-02. Review status: criteria provided, single submitter. Criteria: Invitae Variant Classification Sherloc (09022015). Collection method: clinical testing. Allele origin: germline.
Comment: This sequence change replaces alanine, which is neutral and non-polar, with valine, which is neutral and non-polar, at codon 360 of the IKBKB protein (p.Ala360Val). This variant is present in population databases (rs202120081, gnomAD 0.01%). This variant has not been reported in the literature in individuals affected with IKBKB-related conditions. Advanced modeling of protein sequence and biophysical properties (such as structural, functional, and spatial information, amino acid conservation, physicochemical variation, residue mobility, and thermodynamic stability) performed at Invitae indicates that this missense variant is not expected to disrupt IKBKB protein function. In summary, the available evidence is currently insufficient to determine the role of this variant in disease. Therefore, it has been classified as a Variant of Uncertain Significance.